The following is an entry in ClinVar:

NM_001267550.2(TTN):c.78572dup (p.Arg26192fs)

Genes: TTN (titin; minus strand), TTN-AS1 (TTN antisense RNA 1; plus strand). Cytogenetic location: 2q31.2.
Variant type: Duplication.
Coding change: c.78572dup on transcript NM_001267550.2 (MANE Select); coding-DNA position 78572, one base duplicated (C; older notation c.78572dupC).
Protein change: p.Arg26192fs; shifts the reading frame from arginine 26192.
Molecular consequence: frameshift variant.
Genome position (GRCh38, 1-based): chr2:178,567,560, G duplicated on the plus strand (C on the coding strand, the reverse complement: TTN is on the minus strand); the first of 3 consecutive G bases (chr2:178,567,560-178,567,562); duplicating any one gives the same sequence. VCF-style (leftmost placement, unchanged base first): chr2-178567559-T-TG. GRCh37 (hg19) VCF-style: chr2-179432286-T-TG.
Other names: c.51377dupC (NM_003319.4); c.73649dup, p.Arg24551fs (NM_001256850.1); c.51377dup, p.Arg17127fs (NM_003319.4); c.70868dup, p.Arg23624fs (NM_133378.4); c.51752dup, p.Arg17252fs (NM_133432.3); c.51953dup, p.Arg17319fs (NM_133437.4); short protein forms R17319fs, R17127fs, R17252fs, R23624fs, R24551fs, R26192fs.
Identifiers: ClinVar variation 3330084 (VCV003330084.3).

ClinVar aggregate classification (germline): Likely pathogenic. Review status: criteria provided, multiple submitters, no conflicts (2 of 4 stars). 2 submissions from 2 submitters: Likely pathogenic (2). Last evaluated 2025-04-08.

Conditions:
Dilated cardiomyopathy 1G (CMD1G). Identifiers: Orphanet 154, MedGen C1858763, MONDO:0011400, OMIM 604145.
Autosomal recessive limb-girdle muscular dystrophy type 2J (LGMDR10). Also called: Limb-girdle muscular dystrophy, type 2J; MUSCULAR DYSTROPHY, LIMB-GIRDLE, AUTOSOMAL RECESSIVE 10. Identifiers: Orphanet 140922, MedGen C1837342, MONDO:0012127, OMIM 608807.
Cardiovascular phenotype. Identifiers: MedGen CN230736.

Submissions (2):

Labcorp Genetics (formerly Invitae), Labcorp
Classification: Likely pathogenic for Dilated cardiomyopathy 1G; Autosomal recessive limb-girdle muscular dystrophy type 2J. Last evaluated: 2025-04-08. Review status: criteria provided, single submitter. Criteria: Invitae Variant Classification Sherloc (09022015). Collection method: clinical testing. Allele origin: germline.
Comment: This sequence change creates a premature translational stop signal (p.Arg26192Lysfs*23) in the TTN gene. While this is not anticipated to result in nonsense mediated decay, it is expected to create a truncated TTN protein. This variant is not present in population databases (gnomAD no frequency). This variant has not been reported in the literature in individuals affected with TTN-related conditions. ClinVar contains an entry for this variant (Variation ID: 3330084). This variant is located in the A band of TTN (PMID: 25589632). Truncating variants in this region are significantly overrepresented in patients affected with dilated cardiomyopathy (PMID: 25589632). Truncating variants in this region have also been reported in individuals affected with autosomal recessive centronuclear myopathy (PMID: 23975875). In summary, the currently available evidence indicates that the variant is pathogenic, but additional data are needed to prove that conclusively. Therefore, this variant has been classified as Likely Pathogenic.

Ambry Genetics
Classification: Likely pathogenic for Cardiovascular phenotype. Last evaluated: 2024-04-24. Review status: criteria provided, single submitter. Criteria: Ambry Variant Classification Scheme 2023. Collection method: clinical testing. Allele origin: germline.
Comment: The c.51377dupC variant, located in coding exon 153 of the TTN gene, results from a duplication of C at nucleotide position 51377, causing a translational frameshift with a predicted alternate stop codon (p.R17127Kfs*23). This exon is located in the A-band region of the N2-B isoform of the titin protein and is constitutively expressed in TTN transcripts (percent spliced in or PSI 100%). This variant is considered to be rare based on population cohorts in the Genome Aggregation Database (gnomAD). This alteration is expected to result in loss of function by premature protein truncation or nonsense-mediated mRNA decay. While truncating variants in TTN are present in 1-3% of the general population, truncating variants in the A-band are the most common cause of dilated cardiomyopathy (DCM) (Herman DS et al. N. Engl. J. Med., 2012 Feb;366:619-28; Roberts AM et al. Sci Transl Med, 2015 Jan;7:270ra6). TTN truncating variants encoded in constitutive exons (PSI >90%) have been found to be significantly associated with DCM regardless of their position in titin (Schafer S et al. Nat. Genet., 2017 01;49:46-53). Based on the majority of available evidence to date, this variant is likely to be pathogenic.

Literature cited by the submitters: PubMed 25589632 (cited by Labcorp Genetics (formerly Invitae), Labcorp); PubMed 23975875 (cited by Labcorp Genetics (formerly Invitae), Labcorp).